The following is an entry in ClinVar:

ClinVar aggregate classification (germline): Likely benign. Review status: criteria provided, multiple submitters, no conflicts (2 of 4 stars). 2 submissions from 2 submitters: Likely benign (2). Last evaluated 2026-07-01.

Allele frequency attached by ClinVar (database versions not stated): gnomAD exomes 0.00004 and 0.00016; ExAC 0.00008; TOPMed 0.00011; gnomAD 0.00017 and 0.00018.

Submissions (2):

CeGaT Center for Human Genetics Tuebingen
Classification: Likely benign. Last evaluated: 2026-07-01. Review status: criteria provided, single submitter. Criteria: CeGaT Center For Human Genetics Tuebingen Variant Classification Criteria Version 2. Collection method: clinical testing. Allele origin: germline. Affected: yes. Observed: 1 variant allele.
Comment: IRF2BP2: BP4, BP7

Labcorp Genetics (formerly Invitae), Labcorp
Classification: Likely benign. Last evaluated: 2026-01-15. Review status: criteria provided, single submitter. Criteria: Invitae Variant Classification Sherloc (09022015). Collection method: clinical testing. Allele origin: germline.

NM_182972.3(IRF2BP2):c.48C>T (p.Cys16=)

Gene: IRF2BP2 (interferon regulatory factor 2 binding protein 2; minus strand). Cytogenetic location: 1q42.3.
Variant type: single nucleotide variant.
Coding change: c.48C>T on transcript NM_182972.3 (MANE Select); coding-DNA position 48, C replaced by T.
Protein change: p.Cys16=; no amino-acid change (cysteine 16 retained).
Molecular consequence: synonymous variant.
Genome position (GRCh38, 1-based): chr1:234,609,447, G>A on the plus strand (C>T on the coding strand, the complement: IRF2BP2 is on the minus strand). VCF-style: chr1-234609447-G-A. GRCh37 (hg19) VCF-style: chr1-234745193-G-A.
Other names: c.48C>T, p.Cys16= (NM_001077397.1).
Identifiers: ClinVar variation 1558678 (VCV001558678.9), dbSNP rs772153439, ClinGen allele CA1461910.